The following is an entry in ClinVar:

ClinVar aggregate classification (germline): Conflicting classifications of pathogenicity. Review status: criteria provided, conflicting classifications (1 of 4 stars). 2 submissions from 2 submitters: Likely pathogenic (1); Uncertain significance (1). Last evaluated 2024-10-03.

Conditions:
Peutz-Jeghers syndrome (PJS). Also called: Peutz-Jeghers polyposis; Periorificial lentiginosis syndrome; POLYPOSIS, HAMARTOMATOUS INTESTINAL; POLYPS-AND-SPOTS SYNDROME. Identifiers: Orphanet 2869, MedGen C0031269, MeSH D010580, MONDO:0008280, OMIM 175200.

Submissions (2):

Labcorp Genetics (formerly Invitae), Labcorp
Classification: Uncertain significance for Peutz-Jeghers syndrome. Last evaluated: 2024-10-03. Review status: criteria provided, single submitter. Criteria: Invitae Variant Classification Sherloc (09022015). Collection method: clinical testing. Allele origin: germline.
Comment: This sequence change replaces aspartic acid, which is acidic and polar, with histidine, which is basic and polar, at codon 194 of the STK11 protein (p.Asp194His). This variant is not present in population databases (gnomAD no frequency). This variant has not been reported in the literature in individuals affected with STK11-related conditions. ClinVar contains an entry for this variant (Variation ID: 1027310). Invitae Evidence Modeling of protein sequence and biophysical properties (such as structural, functional, and spatial information, amino acid conservation, physicochemical variation, residue mobility, and thermodynamic stability) has been performed for this missense variant. However, the output from this modeling did not meet the statistical confidence thresholds required to predict the impact of this variant on STK11 protein function. This variant disrupts the p.Asp194 amino acid residue in STK11. Other variant(s) that disrupt this residue have been determined to be pathogenic (PMID: 10408777, 16582077, 23399955, 23718779). This suggests that this residue is clinically significant, and that variants that disrupt this residue are likely to be disease-causing. In summary, the available evidence is currently insufficient to determine the role of this variant in disease. Therefore, it has been classified as a Variant of Uncertain Significance.

CeGaT Center for Human Genetics Tuebingen
Classification: Likely pathogenic. Last evaluated: 2022-01-01. Review status: criteria provided, single submitter. Criteria: CeGaT Center For Human Genetics Tuebingen Variant Classification Criteria Version 2. Collection method: clinical testing. Allele origin: germline. Affected: yes. Observed: 1 variant allele.

Literature cited by the submitters: PubMed 10408777 (cited by Labcorp Genetics (formerly Invitae), Labcorp); PubMed 16582077 (cited by Labcorp Genetics (formerly Invitae), Labcorp); PubMed 23399955 (cited by Labcorp Genetics (formerly Invitae), Labcorp); PubMed 23718779 (cited by Labcorp Genetics (formerly Invitae), Labcorp).

NM_000455.5(STK11):c.580G>C (p.Asp194His)

Gene: STK11 (serine/threonine kinase 11; plus strand). Cytogenetic location: 19p13.3.
Variant type: single nucleotide variant.
Coding change: c.580G>C on transcript NM_000455.5 (MANE Select); coding-DNA position 580, G replaced by C.
Protein change: p.Asp194His; replaces aspartic acid 194 with histidine.
Molecular consequence: missense variant.
Genome position (GRCh38, 1-based): chr19:1,220,488, G>C. VCF-style: chr19-1220488-G-C. GRCh37 (hg19) VCF-style: chr19-1220487-G-C.
Other names: short protein forms D194H.
Identifiers: ClinVar variation 1027310 (VCV001027310.42), dbSNP rs121913315, ClinGen allele CA402949259.